The following is an entry in ClinVar:

NM_199420.4(POLQ):c.1130G>A (p.Cys377Tyr)

Gene: POLQ (DNA polymerase theta; minus strand). Cytogenetic location: 3q13.33.
Variant type: single nucleotide variant.
Coding change: c.1130G>A on transcript NM_199420.4 (MANE Select); coding-DNA position 1130, G replaced by A.
Protein change: p.Cys377Tyr; replaces cysteine 377 with tyrosine.
Molecular consequence: missense variant.
Genome position (GRCh38, 1-based): chr3:121,522,128, C>T on the plus strand (G>A on the coding strand, the complement: POLQ is on the minus strand). VCF-style: chr3-121522128-C-T. GRCh37 (hg19) VCF-style: chr3-121240975-C-T.
Other names: short protein forms C377Y.
Identifiers: ClinVar variation 1728227 (VCV001728227.2), dbSNP rs2546811769, ClinGen allele CA354122035.

ClinVar aggregate classification (germline): Uncertain significance (1 of 4 stars; one submission).

Submission:

Ambry Genetics
Classification: Uncertain significance. Last evaluated: 2022-07-25. Review status: criteria provided, single submitter. Criteria: Ambry Variant Classification Scheme 2023. Collection method: clinical testing. Allele origin: germline.
Comment: The p.C377Y variant (also known as c.1130G>A), located in coding exon 8 of the POLQ gene, results from a G to A substitution at nucleotide position 1130. The cysteine at codon 377 is replaced by tyrosine, an amino acid with highly dissimilar properties. This amino acid position is conserved. In addition, this alteration is predicted to be tolerated by in silico analysis. Since supporting evidence is limited at this time, the clinical significance of this alteration remains unclear.